The following is an entry in ClinVar:

ClinVar aggregate classification (germline): Uncertain significance (1 of 4 stars; one submission).

Allele frequency attached by ClinVar (database versions not stated): ExAC 0.00001; gnomAD exomes 0.00001.
gnomAD v4.1: 14 of 1,613,870 alleles (0.00087%); highest among the groups gnomAD compares: African/African-American, 0.0013%; no homozygotes.

Submission:

Labcorp Genetics (formerly Invitae), Labcorp
Classification: Uncertain significance. Last evaluated: 2024-09-23. Review status: criteria provided, single submitter. Criteria: Invitae Variant Classification Sherloc (09022015). Collection method: clinical testing. Allele origin: germline.
Comment: This sequence change replaces glutamic acid, which is acidic and polar, with alanine, which is neutral and non-polar, at codon 778 of the MICAL1 protein (p.Glu778Ala). This variant is present in population databases (rs749073327, gnomAD 0.002%). This variant has not been reported in the literature in individuals affected with MICAL1-related conditions. ClinVar contains an entry for this variant (Variation ID: 1506565). An algorithm developed to predict the effect of missense changes on protein structure and function outputs the following: PolyPhen-2: "Benign". The alanine amino acid residue is found in multiple mammalian species, which suggests that this missense change does not adversely affect protein function. In summary, the available evidence is currently insufficient to determine the role of this variant in disease. Therefore, it has been classified as a Variant of Uncertain Significance.

NM_022765.4(MICAL1):c.2276A>C (p.Glu759Ala)

Gene: MICAL1 (microtubule associated monooxygenase, calponin and LIM domain containing 1; minus strand). Cytogenetic location: 6q21.
Variant type: single nucleotide variant.
Coding change: c.2276A>C on transcript NM_022765.4 (MANE Select); coding-DNA position 2276, A replaced by C.
Protein change: p.Glu759Ala; replaces glutamic acid 759 with alanine.
Molecular consequence: missense variant.
Genome position (GRCh38, 1-based): chr6:109,446,724, T>G on the plus strand (A>C on the coding strand, the complement: MICAL1 is on the minus strand). VCF-style: chr6-109446724-T-G. GRCh37 (hg19) VCF-style: chr6-109767927-T-G.
Other names: c.2018A>C, p.Glu673Ala (NM_001159291.2); c.2333A>C, p.Glu778Ala (NM_001286613.2); short protein forms E673A, E759A, E778A.
Identifiers: ClinVar variation 1506565 (VCV001506565.8), dbSNP rs749073327, ClinGen allele CA3952989.
Genomic context (GRCh38, chr6:109,446,724, plus strand): 5'-CCCCAATATACATACACGCCTTCAGTCTTTACCGGACTCTCAGGGCCTCTATCGCTGCCT[T>G]CCGCTTTGTGGTCTGTCTGGGGCAGGTGCTGGAGGCAGTAGAAATGTCCTGGAAAGGGTA-3'
Protein context (NP_073602.3, residues 749-769): QHLPQTDHKA[Glu759Ala]GSDRGPESPE